The following is an entry in ClinVar:

NR_003051.3(RMRP):n.-24_-4dup

Gene: RMRP (RNA component of mitochondrial RNA processing endoribonuclease; minus strand). Cytogenetic location: 9p13.3.
Variant type: Duplication.
Genome position: GRCh38 VCF-style: chr9-35658021-G-GTCCTCAGCTTCACAGAGTAGT. GRCh37 (hg19) VCF-style: chr9-35658018-G-GTCCTCAGCTTCACAGAGTAGT.
Identifiers: ClinVar variation 632969 (VCV000632969.11), dbSNP rs1563907883, ClinGen allele CA913189484.

ClinVar aggregate classification (germline): Pathogenic/Likely pathogenic. Review status: criteria provided, multiple submitters, no conflicts (2 of 4 stars). 4 submissions from 4 submitters: Pathogenic (2); Likely pathogenic (2). Last evaluated 2024-09-27.

Conditions:
Anauxetic dysplasia 1 (ANXD1). Also called: Anauxetic Dysplasia (AD). Identifiers: Orphanet 93347, MedGen C4551965, MONDO:0054560, OMIM 607095.
Metaphyseal chondrodysplasia, McKusick type (CHH). Also called: Cartilage-Hair Hypoplasia (CHH); Cartilage-hair hypoplasia. Identifiers: Orphanet 175, MedGen C0220748, MONDO:0009595, OMIM 250250.
Metaphyseal dysplasia without hypotrichosis. Also called: Metaphyseal Dysplasia without Hypotrichosis (MDWH); CARTILAGE-HAIR HYPOPLASIA VARIANT, SKELETAL MANIFESTATIONS ONLY; CARTILAGE-HAIR HYPOPLASIA-LIKE SKELETAL DYSPLASIA WITHOUT HYPOTRICHOSIS OR IMMUNODEFICIENCY. Identifiers: MedGen C1834821, MONDO:0009601, OMIM 250460.
Anauxetic dysplasia. Identifiers: Orphanet 93347, MedGen C1846796, MONDO:0011773.

Submissions (4):

Natera, Inc.
Classification: Likely pathogenic for Cartilage-hair hypoplasia. Last evaluated: 2024-09-27. Review status: criteria provided, single submitter. Criteria: Natera Variant Classification Schema (03/2026). Collection method: clinical testing. Allele origin: germline.
Comment: The n.-24_-4dupACTACTCTGTGAAGCTGAGGA variant in RMRP is a duplication affecting the RMRP promoter region between the TATA box and the transcription initiation site. Other duplications and insertions just upstream of the transcription initiation site have been reported in individuals affected with cartilage-hair hypoplasia (PMID: 11207361, 17937437). This variant is rare in the general population with a frequency below the threshold expected for the associated phenotype(s). This variant has been observed in one or more individuals affected with the associated recessive disease, as either homozygous or compound heterozygous with a second variant (PMID: 16244706, 18804272). Given the available evidence, this variant is classified as Likely pathogenic.

Women's Health and Genetics/Laboratory Corporation of America, LabCorp
Classification: Pathogenic for Metaphyseal chondrodysplasia, McKusick type. Last evaluated: 2022-12-14. Review status: criteria provided, single submitter. Criteria: LabCorp Variant Classification Summary - May 2015. Collection method: clinical testing. Allele origin: germline.
Comment: Variant summary: RMRP n.-24_-4dup21 (also known as n.-25_-5dup21) involves the duplication of 21 nucleotides in the promoter region of RMRP, located between the TATA box (-33 to -25) and the transcription initiation site (at +1). The variant was absent in 128022 control chromosomes (gnomAD). n.-24_-4dup21 has been reported in the literature in the compound heterozygous state in individuals affected with Cartilage-Hair Hypoplasia (CHH) (e.g. Bonafe_2005, Kavadas_2008), including one family in which three affected siblings with the same compound heterozygous genotype presented with variable phenotypes: one affected with CHH, one with SCID, and one with CID+CD8 lymphopenia (Kavadas_2008). These data indicate that the variant is likely to be associated with disease. To our knowledge, no experimental evidence demonstrating an impact on protein function has been reported. However, experimental studies have demonstrated that many other insertions and duplications in the promoter region of RMRP lead to reduced RMRP transcription (e.g. PMIDs: 11207361, 16254002). One clinical diagnostic laboratory has submitted a clinical-significance assessment for this variant to ClinVar after 2014 and classified the variant as pathogenic. Based on the evidence outlined above, the variant was classified as pathogenic.

Labcorp Genetics (formerly Invitae), Labcorp
Classification: Pathogenic for Anauxetic dysplasia. Last evaluated: 2022-02-05. Review status: criteria provided, single submitter. Criteria: Invitae Variant Classification Sherloc (09022015). Collection method: clinical testing. Allele origin: germline.
Comment: This variant occurs in the RMRP gene, which encodes an RNA molecule that does not result in a protein product. This variant is not present in population databases (gnomAD no frequency). While this particular variant has not been reported in the literature, it is located in the promoter region between the TATA box and the transcription initiation site, and other insertions and duplications immediately upstream of the coding sequence have been reported in individuals affected with cartilage-hair hypoplasia-anauxetic dysplasia (CHH-AD) spectrum disorders (PMID: 16244706, 11207361, 12107819). While functional studies for this variant have not been reported, experimental analyses using patient derived cells, as well as in vitro transfection studies, have shown that promoter insertions result in silencing of RMRP transcription and reduced expression of the gene product (PMID: 11207361, 16254002). For these reasons, this variant has been classified as Pathogenic.

Fulgent Genetics
Classification: Likely pathogenic for Metaphyseal chondrodysplasia, McKusick type; Metaphyseal dysplasia without hypotrichosis; Anauxetic dysplasia 1. Last evaluated: 2021-12-09. Review status: criteria provided, single submitter. Criteria: ACMG Guidelines, 2015. Collection method: clinical testing. Allele origin: unknown.

Literature cited by the submitters: PubMed 11207361 (cited by Natera, Inc. and Labcorp Genetics (formerly Invitae), Labcorp); PubMed 17937437 (cited by Natera, Inc.); PubMed 16244706 (cited by 3 submitters); PubMed 18804272 (cited by Natera, Inc. and Women's Health and Genetics/Laboratory Corporation of America, LabCorp); PubMed 16254002 (cited by Women's Health and Genetics/Laboratory Corporation of America, LabCorp and Labcorp Genetics (formerly Invitae), Labcorp); PubMed 21956908 (cited by Women's Health and Genetics/Laboratory Corporation of America, LabCorp); PubMed 21396580 (cited by Women's Health and Genetics/Laboratory Corporation of America, LabCorp); PubMed 12107819 (cited by Labcorp Genetics (formerly Invitae), Labcorp).